The following is an entry in ClinVar:

ClinVar aggregate classification (germline): Uncertain significance. Review status: criteria provided, multiple submitters, no conflicts (2 of 4 stars). 4 submissions from 4 submitters: Uncertain significance (4). Last evaluated 2025-07-05.

Conditions:
Inborn genetic diseases. Identifiers: MedGen C0950123, MeSH D030342.
Developmental and epileptic encephalopathy, 18 (DEE18). Also called: Early infantile epileptic encephalopathy 18. Identifiers: Orphanet 369894, MedGen C3809624, MONDO:0014201, OMIM 615476.

Allele frequency attached by ClinVar (database versions not stated): gnomAD 0.00002 and 0.00003; TOPMed 0.00002; gnomAD exomes 0.00003; ExAC 0.00002; ESP Exome Variant Server 0.00017.
gnomAD v4.1: 37 of 1,598,336 alleles (0.0023%); highest among the groups gnomAD compares: Admixed American, 0.0033%; no homozygotes.

Submissions (4):

GeneDx
Classification: Uncertain significance. Last evaluated: 2025-07-05. Review status: criteria provided, single submitter. Criteria: GeneDx Variant Classification Process June 2021. Collection method: clinical testing. Allele origin: germline.
Comment: Not observed at significant frequency in large population cohorts (gnomAD); In silico analysis suggests that this missense variant does not alter protein structure/function; Has not been previously published as pathogenic or benign to our knowledge

Ambry Genetics
Classification: Uncertain significance for Inborn genetic diseases. Last evaluated: 2024-08-04. Review status: criteria provided, single submitter. Criteria: Ambry Variant Classification Scheme 2023. Collection method: clinical testing. Allele origin: germline.

Labcorp Genetics (formerly Invitae), Labcorp
Classification: Uncertain significance. Last evaluated: 2024-04-10. Review status: criteria provided, single submitter. Criteria: Invitae Variant Classification Sherloc (09022015). Collection method: clinical testing. Allele origin: germline.
Comment: This sequence change replaces arginine, which is basic and polar, with histidine, which is basic and polar, at codon 352 of the SZT2 protein (p.Arg352His). This variant is present in population databases (rs371878968, gnomAD 0.006%). This variant has not been reported in the literature in individuals affected with SZT2-related conditions. ClinVar contains an entry for this variant (Variation ID: 1055243). Advanced modeling of protein sequence and biophysical properties (such as structural, functional, and spatial information, amino acid conservation, physicochemical variation, residue mobility, and thermodynamic stability) performed at Invitae indicates that this missense variant is not expected to disrupt SZT2 protein function with a negative predictive value of 80%. In summary, the available evidence is currently insufficient to determine the role of this variant in disease. Therefore, it has been classified as a Variant of Uncertain Significance.

Genome-Nilou Lab
Classification: Uncertain significance for Developmental and epileptic encephalopathy, 18. Last evaluated: 2023-04-11. Review status: criteria provided, single submitter. Criteria: ACMG Guidelines, 2015. Collection method: clinical testing. Allele origin: germline. Affected: no.

NM_001365999.1(SZT2):c.1055G>A (p.Arg352His)

Gene: SZT2 (SZT2 subunit of KICSTOR complex; plus strand). Cytogenetic location: 1p34.2.
Variant type: single nucleotide variant.
Coding change: c.1055G>A on transcript NM_001365999.1 (MANE Select); coding-DNA position 1055, G replaced by A.
Protein change: p.Arg352His; replaces arginine 352 with histidine.
Molecular consequence: missense variant.
Genome position (GRCh38, 1-based): chr1:43,419,909, G>A. VCF-style: chr1-43419909-G-A. GRCh37 (hg19) VCF-style: chr1-43885580-G-A.
Other names: c.1055G>A, p.Arg352His (NM_015284.4); short protein forms R352H.
Identifiers: ClinVar variation 1055243 (VCV001055243.11), dbSNP rs371878968, ClinGen allele CA808318.